The following is an entry in ClinVar:

NM_000173.7(GP1BA):c.483G>A (p.Thr161=)

Gene: GP1BA (glycoprotein Ib platelet subunit alpha; plus strand). Cytogenetic location: 17p13.2.
Variant type: single nucleotide variant.
Coding change: c.483G>A on transcript NM_000173.7 (MANE Select); coding-DNA position 483, G replaced by A.
Protein change: p.Thr161=; no amino-acid change (threonine 161 retained).
Molecular consequence: synonymous variant.
Genome position (GRCh38, 1-based): chr17:4,933,087, G>A. VCF-style: chr17-4933087-G-A. GRCh37 (hg19) VCF-style: chr17-4836382-G-A.
Other names: p.Thr161=.
Identifiers: ClinVar variation 4684180 (VCV004684180.2).

ClinVar aggregate classification (germline): Benign. Review status: criteria provided, multiple submitters, no conflicts (2 of 4 stars). 2 submissions from 2 submitters: Benign (2). Last evaluated 2025-08-06.

Submissions (2):

Labcorp Genetics (formerly Invitae), Labcorp
Classification: Benign. Last evaluated: 2025-08-06. Review status: criteria provided, single submitter. Criteria: Invitae Variant Classification Sherloc (09022015). Collection method: clinical testing. Allele origin: germline.

Mayo Clinic Laboratories, Mayo Clinic
Classification: Benign. Last evaluated: 2024-02-06. Review status: criteria provided, single submitter. Criteria: ACMG Guidelines, 2015. Collection method: clinical testing. Allele origin: germline. Observed: 3 variant alleles.
Comment: BS1, BS2, BP4, BP7